The following is an entry in ClinVar:

NM_001184.4(ATR):c.4460_4461del (p.Phe1487fs)

Gene: ATR (ATR checkpoint kinase; minus strand). Cytogenetic location: 3q23.
Variant type: Deletion.
Coding change: c.4460_4461del on transcript NM_001184.4 (MANE Select); coding-DNA positions 4460 to 4461, 2 bases deleted (TT; older notation c.4460_4461delTT).
Protein change: p.Phe1487fs; shifts the reading frame from phenylalanine 1487.
Molecular consequence: frameshift variant.
Genome position (GRCh38, 1-based): chr3:142,515,437-142,515,438, AA deleted on the plus strand (TT on the coding strand, the reverse complement: ATR is on the minus strand); deleting any 2 consecutive bases within chr3:142,515,437-142,515,439 gives the same sequence; the c. name uses the placement nearest the transcript's 3' end. VCF-style (leftmost placement, unchanged base first): chr3-142515436-CAA-C. GRCh37 (hg19) VCF-style: chr3-142234278-CAA-C.
Other names: c.4268_4269del, p.Phe1423fs (NM_001354579.2); short protein forms F1423fs, F1487fs.
Identifiers: ClinVar variation 2147452 (VCV002147452.4), dbSNP rs770800988, ClinGen allele CA2649845.
Genomic context (GRCh38, chr3:142,515,436, plus strand): 5'-ACTGAACAGGGTTTCTTACCTTTGTAATAAGATAACCTGCCCAAGATGCTGACCATTCTG[CAA>C]AGTTACTACCCAATTTACTTAAGTAAATTGGCTTCTTTACTCCAGACCAATCGGTTGACT-3'

ClinVar aggregate classification (germline): Pathogenic (1 of 4 stars; one submission).

Submission:

Labcorp Genetics (formerly Invitae), Labcorp
Classification: Pathogenic. Last evaluated: 2024-10-29. Review status: criteria provided, single submitter. Criteria: Invitae Variant Classification Sherloc (09022015). Collection method: clinical testing. Allele origin: germline.
Comment: This sequence change creates a premature translational stop signal (p.Phe1487Cysfs*18) in the ATR gene. It is expected to result in an absent or disrupted protein product. Loss-of-function variants in ATR are known to be pathogenic (PMID: 21228398, 23144622). This variant is present in population databases (rs770800988, gnomAD 0.0009%). This premature translational stop signal has been observed in individual(s) with lung squamous cell carcinoma and sarcoma (PMID: 29625052). ClinVar contains an entry for this variant (Variation ID: 2147452). For these reasons, this variant has been classified as Pathogenic.

Literature cited by the submitters: PubMed 21228398; PubMed 23144622; PubMed 29625052.